The following is an entry in ClinVar:

NM_004655.4(AXIN2):c.1000C>T (p.Gln334Ter)

Gene: AXIN2 (axin 2; minus strand). Cytogenetic location: 17q24.1.
Variant type: single nucleotide variant.
Coding change: c.1000C>T on transcript NM_004655.4 (MANE Select); coding-DNA position 1000, C replaced by T.
Protein change: p.Gln334Ter; replaces glutamine 334 with a stop codon.
Molecular consequence: nonsense.
Genome position (GRCh38, 1-based): chr17:65,541,514, G>A on the plus strand (C>T on the coding strand, the complement: AXIN2 is on the minus strand). VCF-style: chr17-65541514-G-A. GRCh37 (hg19) VCF-style: chr17-63537632-G-A.
Other names: c.1000C>T, p.Gln334Ter (NM_001363813.1); short protein forms Q334*.
Identifiers: ClinVar variation 2583420 (VCV002583420.2), dbSNP rs770254456, ClinGen allele CA400679301.

ClinVar aggregate classification (germline): Pathogenic (1 of 4 stars; one submission).

Conditions:
Oligodontia-cancer predisposition syndrome. Also called: TOOTH AGENESIS-COLORECTAL CANCER SYNDROME. Identifiers: Orphanet 300576, MedGen C1837750, MONDO:0012075, OMIM 608615. Disease mechanism: loss of function.

Submission:

Myriad Genetics, Inc.
Classification: Pathogenic for Oligodontia-cancer predisposition syndrome. Last evaluated: 2023-05-17. Review status: criteria provided, single submitter. Criteria: Myriad Autosomal Dominant, Autosomal Recessive and X-Linked Classification Criteria (2023). Collection method: clinical testing. Allele origin: unknown.
Comment: This variant is considered pathogenic. This variant creates a termination codon and is predicted to result in premature protein truncation.